The following is an entry in ClinVar:

ClinVar aggregate classification (germline): Pathogenic (1 of 4 stars; one submission).

Conditions:
Aicardi-Goutieres syndrome 4. Identifiers: Orphanet 51, MedGen C1835912, MONDO:0012472, OMIM 610333.

gnomAD v4.1: 1 of 1,614,160 alleles (0.000062%); no homozygotes.

Submission:

Labcorp Genetics (formerly Invitae), Labcorp
Classification: Pathogenic for Aicardi-Goutieres syndrome 4. Last evaluated: 2022-05-09. Review status: criteria provided, single submitter. Criteria: Invitae Variant Classification Sherloc (09022015). Collection method: clinical testing. Allele origin: germline.
Comment: This sequence change creates a premature translational stop signal (p.Tyr149*) in the RNASEH2A gene. It is expected to result in an absent or disrupted protein product. Loss-of-function variants in RNASEH2A are known to be pathogenic (PMID: 21454563, 25274781). This variant is present in population databases (rs762503607, gnomAD 0.004%). This variant has not been reported in the literature in individuals affected with RNASEH2A-related conditions. For these reasons, this variant has been classified as Pathogenic.

Literature cited by the submitters: PubMed 21454563; PubMed 25274781.

NM_006397.3(RNASEH2A):c.447C>A (p.Tyr149Ter)

Gene: RNASEH2A (ribonuclease H2 subunit A; plus strand). Cytogenetic location: 19p13.13.
Variant type: single nucleotide variant.
Coding change: c.447C>A on transcript NM_006397.3 (MANE Select); coding-DNA position 447, C replaced by A.
Protein change: p.Tyr149Ter; replaces tyrosine 149 with a stop codon.
Molecular consequence: nonsense.
Genome position (GRCh38, 1-based): chr19:12,810,106, C>A. VCF-style: chr19-12810106-C-A. GRCh37 (hg19) VCF-style: chr19-12920920-C-A.
Other names: short protein forms Y149*.
Identifiers: ClinVar variation 2121714 (VCV002121714.5), dbSNP rs762503607, ClinGen allele CA9231903.